The following is an entry in ClinVar:

NC_000013.10:g.(?_32889617)_(32890684_?)dup

Gene: BRCA2 (BRCA2 DNA repair associated; plus strand). Cytogenetic location: 13q13.1.
Variant type: Duplication.
Identifiers: ClinVar variation 2422274 (VCV002422274.6).

ClinVar aggregate classification (germline): Uncertain significance (1 of 4 stars; one submission).

Conditions:
Hereditary breast ovarian cancer syndrome. Also called: Hereditary breast and ovarian cancer syndrome; Hereditary breast and ovarian cancer; Hereditary breast and/or ovarian cancer syndrome; Hereditary breast and ovarian cancer syndrome (HBOC); Breast and ovarian cancer; BRCA1- and BRCA2-Associated Hereditary Breast and Ovarian Cancer. Identifiers: Orphanet 145, MedGen C0677776, MeSH D061325, MONDO:0003582. Disease mechanism: loss of function.

Submission:

Labcorp Genetics (formerly Invitae), Labcorp
Classification: Uncertain significance for Hereditary breast ovarian cancer syndrome. Last evaluated: 2021-12-13. Review status: criteria provided, single submitter. Criteria: Invitae Variant Classification Sherloc (09022015). Collection method: clinical testing. Allele origin: germline.
Comment: This variant has not been reported in the literature in individuals affected with BRCA2-related conditions. In summary, the available evidence is currently insufficient to determine the role of this variant in disease. Therefore, it has been classified as a Variant of Uncertain Significance. Experimental studies and prediction algorithms are not available or were not evaluated, and the functional significance of this variant is currently unknown. This variant results in a copy number gain of the genomic region encompassing exon(s) 1-2 of the BRCA2 gene. This region includes the initiator codon of the gene. This copy number gain extends beyond the assayed region for this gene and therefore may encompass additional genes. As the precise location of this event is unknown, it may be in tandem or it may be located elsewhere in the genome.